The following is an entry in ClinVar:

ClinVar aggregate classification (germline): Pathogenic (1 of 4 stars; one submission).

Conditions:
Fanconi anemia (FA). Also called: Fanconi's anemia. Identifiers: Orphanet 84, MedGen C0015625, MeSH D005199, MONDO:0019391.

Submission:

Labcorp Genetics (formerly Invitae), Labcorp
Classification: Pathogenic for Fanconi anemia. Last evaluated: 2019-04-26. Review status: criteria provided, single submitter. Criteria: Invitae Variant Classification Sherloc (09022015). Collection method: clinical testing. Allele origin: germline.
Comment: This variant is an in-frame deletion of the genomic region encompassing exons 6-31 of the FANCA gene. It preserves the integrity of the reading frame. A similar deletion of exons 6-31 in FANCA has been observed to segregate with Fanconi anemia in a family (PMID: 15059067). For these reasons, this variant has been classified as Pathogenic.

Literature cited by the submitters: PubMed 15059067.

NC_000016.10:g.(?_89752128)_(89808377_?)del

Gene: FANCA (FA complementation group A; minus strand). Cytogenetic location: 16q24.3.
Variant type: Deletion.
Identifiers: ClinVar variation 832273 (VCV000832273.1).